The following is an entry in ClinVar:

NM_004208.4(AIFM1):c.340G>A (p.Ala114Thr)

Genes: AIFM1 (apoptosis inducing factor mitochondria associated 1; minus strand), RAB33A (RAB33A, member RAS oncogene family; plus strand). Cytogenetic location: Xq26.1.
Variant type: single nucleotide variant.
Coding change: c.340G>A on transcript NM_004208.4 (MANE Select); coding-DNA position 340, G replaced by A.
Protein change: p.Ala114Thr; replaces alanine 114 with threonine.
Molecular consequence: missense variant. On other transcripts: non-coding transcript variant (1).
Genome position (GRCh38, 1-based): chrX:130,149,478, C>T on the plus strand (G>A on the coding strand, the complement: AIFM1 is on the minus strand). VCF-style: chrX-130149478-C-T. GRCh37 (hg19) VCF-style: chrX-129283453-C-T.
Other names: c.340G>A, p.Ala114Thr (NM_001130847.4); c.328G>A, p.Ala110Thr (NM_145812.3); short protein forms A110T, A114T.
Identifiers: ClinVar variation 857026 (VCV000857026.17), dbSNP rs772308346, ClinGen allele CA10515469.

ClinVar aggregate classification (germline): Conflicting classifications of pathogenicity. Review status: criteria provided, conflicting classifications (1 of 4 stars). 5 submissions from 5 submitters: Uncertain significance (2); Likely benign (3). Last evaluated 2026-02-12.

Conditions:
AIFM1-related disorder. Also called: AIFM1-related condition.
Charcot-Marie-Tooth Neuropathy X. Identifiers: MedGen CN118851.
Combined oxidative phosphorylation deficiency. Identifiers: MedGen C4540031, MONDO:0000732.
Inborn genetic diseases. Identifiers: MedGen C0950123, MeSH D030342.
Severe X-linked mitochondrial encephalomyopathy. Also called: ENCEPHALOMYOPATHY, MITOCHONDRIAL, X-LINKED. Identifiers: Orphanet 238329, MedGen C3151753, MONDO:0010437, OMIM 300816.

Allele frequency attached by ClinVar (database versions not stated): gnomAD exomes 0.00004; ExAC 0.00005; TOPMed 0.00005; gnomAD 0.00009 and 0.00010.
gnomAD v4.1: 77 of 1,204,675 alleles (0.0064%); highest among the groups gnomAD compares: Admixed American, 0.013%; no homozygotes.

Submissions (5):

PreventionGenetics, part of Exact Sciences
Classification: Uncertain significance for AIFM1-related condition. Last evaluated: 2026-02-12. Review status: criteria provided, single submitter. Criteria: ACMG Guidelines, 2015. Collection method: clinical testing. Allele origin: germline.
Comment: The AIFM1 c.340G>A variant is predicted to result in the amino acid substitution p.Ala114Thr. To our knowledge, this variant has not been reported in the literature. This variant is reported in 0.0065% of alleles in individuals of European (Non-Finnish) descent in gnomAD. Although we suspect that this variant may be benign, at this time, the clinical significance of this variant is uncertain due to the absence of conclusive functional and genetic evidence.

Labcorp Genetics (formerly Invitae), Labcorp
Classification: Likely benign for Charcot-Marie-Tooth Neuropathy X; Combined oxidative phosphorylation deficiency. Last evaluated: 2026-02-02. Review status: criteria provided, single submitter. Criteria: Invitae Variant Classification Sherloc (09022015). Collection method: clinical testing. Allele origin: germline.

Blueprint Genetics
Classification: Likely benign. Last evaluated: 2024-03-13. Review status: criteria provided, single submitter. Criteria: ACMG Guidelines, 2015. Collection method: clinical testing. Allele origin: germline.

Ambry Genetics
Classification: Uncertain significance for Inborn genetic diseases. Last evaluated: 2020-12-18. Review status: criteria provided, single submitter. Criteria: Ambry Variant Classification Scheme 2023. Collection method: clinical testing. Allele origin: germline.
Comment: The p.A114T variant (also known as c.340G>A), located in coding exon 3 of the AIFM1 gene, results from a G to A substitution at nucleotide position 340. The alanine at codon 114 is replaced by threonine, an amino acid with similar properties. Based on data from gnomAD, the A allele has an overall frequency of 0.004385% (9/205228) total alleles studied, with 4 hemizygotes observed. The highest observed frequency was 0.01876% (1/5331) of Other alleles. This amino acid position is not well conserved in available vertebrate species, and threonine is the reference amino acid in other vertebrate species. In addition, this alteration is predicted to be tolerated by in silico analysis. Since supporting evidence is limited at this time, the clinical significance of this alteration remains unclear.

Illumina Laboratory Services, Illumina
Classification: Likely benign for Severe X-linked mitochondrial encephalomyopathy. Last evaluated: 2018-01-13. Review status: criteria provided, single submitter. Criteria: ICSL Variant Classification Criteria 13 December 2019. Collection method: clinical testing. Allele origin: germline.
Comment: This variant was observed in the ICSL laboratory as part of a predisposition screen in an ostensibly healthy population. It had not been previously curated by ICSL or reported in the Human Gene Mutation Database (HGMD: prior to June 1st, 2018), and was therefore a candidate for classification through an automated scoring system. Utilizing variant allele frequency, disease prevalence and penetrance estimates, and inheritance mode, an automated score was calculated to assess if this variant is too frequent to cause the disease. Based on the score and internal cut-off values, a variant classified as likely benign is not then subjected to further curation. The score for this variant resulted in a classification of likely benign for this disease.